The following is an entry in ClinVar:

NM_015338.6(ASXL1):c.2891C>T (p.Ser964Phe)

Gene: ASXL1 (ASXL transcriptional regulator 1; plus strand). Cytogenetic location: 20q11.21.
Variant type: single nucleotide variant.
Coding change: c.2891C>T on transcript NM_015338.6 (MANE Select); coding-DNA position 2891, C replaced by T.
Protein change: p.Ser964Phe; replaces serine 964 with phenylalanine.
Molecular consequence: missense variant.
Genome position (GRCh38, 1-based): chr20:32,435,603, C>T. VCF-style: chr20-32435603-C-T. GRCh37 (hg19) VCF-style: chr20-31023406-C-T.
Other names: c.2708C>T, p.Ser903Phe (NM_001363734.1); short protein forms S903F, S964F.
Identifiers: ClinVar variation 3957546 (VCV003957546.1).
Genomic context (GRCh38, chr20:32,435,603, plus strand): 5'-TGACAGCTGAGGAGGGTCTAGATCCTCTTGACAGCCTTACTTCACTCTGGACTGTGCCAT[C>T]TCGAGGAGGCAGTGACAGCAATGGCAGTTACTGTCAACAGGTGGACATTGAAAAGCTGAA-3'
Protein context (NP_056153.2, residues 954-974): DSLTSLWTVP[Ser964Phe]RGGSDSNGSY

ClinVar aggregate classification (germline): Uncertain significance (1 of 4 stars; one submission).

Conditions:
Inborn genetic diseases. Identifiers: MedGen C0950123, MeSH D030342.

gnomAD v4.1: 3 of 1,614,138 alleles (0.00019%); highest among the groups gnomAD compares: East Asian, 0.0067%; no homozygotes.

Submission:

Ambry Genetics
Classification: Uncertain significance for Inborn genetic diseases. Last evaluated: 2025-05-31. Review status: criteria provided, single submitter. Criteria: Ambry Variant Classification Scheme 2023. Collection method: clinical testing. Allele origin: germline.
Comment: The p.S964F variant (also known as c.2891C>T), located in coding exon 13 of the ASXL1 gene, results from a C to T substitution at nucleotide position 2891. The serine at codon 964 is replaced by phenylalanine, an amino acid with highly dissimilar properties. This amino acid position is conserved. In addition, this alteration is predicted to be tolerated by in silico analysis. Based on the available evidence, the clinical significance of this variant remains unclear.